The following is an entry in ClinVar:

ClinVar aggregate classification (germline): Uncertain significance (1 of 4 stars; one submission).

Submission:

Labcorp Genetics (formerly Invitae), Labcorp
Classification: Uncertain significance. Last evaluated: 2022-05-08. Review status: criteria provided, single submitter. Criteria: Invitae Variant Classification Sherloc (09022015). Collection method: clinical testing. Allele origin: germline.
Comment: In summary, the available evidence is currently insufficient to determine the role of this variant in disease. Therefore, it has been classified as a Variant of Uncertain Significance. Experimental studies and prediction algorithms are not available or were not evaluated, and the functional significance of this variant is currently unknown. This variant has not been reported in the literature in individuals affected with RCBTB1-related conditions. Information on the frequency of this variant in the gnomAD database is not available, as this variant may be reported differently in the database. This sequence change replaces valine, which is neutral and non-polar, with phenylalanine, which is neutral and non-polar, at codon 37 of the RCBTB1 protein (p.Val37Phe).

NM_018191.4(RCBTB1):c.108_109delinsTT (p.Val37Phe)

Gene: RCBTB1 (RCC1 and BTB domain containing protein 1; minus strand). Cytogenetic location: 13q14.2.
Variant type: Indel.
Coding change: c.108_109delinsTT on transcript NM_018191.4 (MANE Select); coding-DNA positions 108 to 109, CG replaced by TT.
Protein change: p.Val37Phe; replaces valine 37 with phenylalanine.
Molecular consequence: missense variant. On other transcripts: non-coding transcript variant (2), 5 prime UTR variant (1).
Genome position (GRCh38, 1-based): chr13:49,567,171-49,567,172, CG replaced by AA on the plus strand (CG replaced by TT on the coding strand, the reverse complement: RCBTB1 is on the minus strand). VCF-style: chr13-49567171-CG-AA. GRCh37 (hg19) VCF-style: chr13-50141307-CG-AA.
Other names: c.108_109delinsTT, p.Val37Phe (NM_001352500.2, NM_001352501.2, NM_001352502.2 and 3 more transcripts); c.-502_-501delinsTT (NM_001352506.2); short protein forms V37F.
Identifiers: ClinVar variation 2135707 (VCV002135707.4), dbSNP rs2547456210, ClinGen allele CA2580087621.